The following is an entry in ClinVar:

NM_001165963.4(SCN1A):c.36del (p.Asp12fs)

Gene: SCN1A (sodium voltage-gated channel alpha subunit 1; minus strand). Cytogenetic location: 2q24.3.
Variant type: Deletion.
Coding change: c.36del on transcript NM_001165963.4 (MANE Select); coding-DNA position 36, one base deleted (C; older notation c.36delC).
Protein change: p.Asp12fs; shifts the reading frame from aspartic acid 12.
Molecular consequence: frameshift variant. On other transcripts: 5 prime UTR variant (1), non-coding transcript variant (1).
Genome position (GRCh38, 1-based): chr2:166,073,586, G deleted on the plus strand (C on the coding strand, the reverse complement: SCN1A is on the minus strand). VCF-style (leftmost placement, unchanged base first): chr2-166073585-TG-T. GRCh37 (hg19) VCF-style: chr2-166930095-TG-T.
Other names: c.36del, p.Asp12fs (NM_001165964.3, NM_001202435.3, NM_001353948.2 and 10 more transcripts); c.-2390del (NM_001353961.2); c.36delC (NM_006920.6); short protein forms D12fs.
Identifiers: ClinVar variation 870591 (VCV000870591.5), dbSNP rs1684704927, ClinGen allele CA1139657329.

ClinVar aggregate classification (germline): Pathogenic (1 of 4 stars; one submission).

Conditions:
Severe myoclonic epilepsy in infancy (DRVT). Also called: Dravet syndrome; Epileptic encephalopathy, early infantile, 6 (Dravet syndrome); DEVELOPMENTAL AND EPILEPTIC ENCEPHALOPATHY 6A; Severe Myoclonic Epilepsy in Infancy (SMEI); SEVERE MYOCLONIC EPILEPSY OF INFANCY. Identifiers: Orphanet 33069, MedGen C0751122, MONDO:0100135, OMIM 607208.
Generalized epilepsy with febrile seizures plus, type 2 (GEFSP2). Also called: GEFS+, TYPE 2. Identifiers: Orphanet 36387, MedGen C1858673, MONDO:0011461, OMIM 604403.

Submission:

Diagnostics Services (NGS), CSIR - Centre For Cellular And Molecular Biology
Classification: Pathogenic for Generalized epilepsy with febrile seizures plus, type 2; Severe myoclonic epilepsy in infancy. Last evaluated: 2020-04-02. Review status: criteria provided, single submitter. Criteria: ACMG Guidelines, 2015. Collection method: clinical testing. Allele origin: unknown. Inheritance: Autosomal dominant inheritance. Affected: yes. Observed: 1 heterozygote.
Comment: The c.36delC variant is not present in publicly available databases like 1000 Genomes, Exome Variant Server (EVS), Exome Aggregation Consortium (ExAC), Genome Aggregation Database (gnomAD) and dbSNP. The variant is not present in our in-house exome database. The variant was not reported to OMIM, Human Genome Mutation Database (HGMD) or ClinVar databases in any affected individuals. In-silico pathogenicity prediction programs like MutationTaster2, CADD etc. predicted this variant to be likely deleterious. The variant causes a frameshift at 12thamino acid position that creates stop codon at 91thamino acid position of the altered transcript. This may either cause a nonsense mediated decay of the mRNA resulting no protein or a truncated protein due to premature stop codon. The variant has been classified as pathogenic as per the ACMG guidelines.